The following is an entry in ClinVar:

ClinVar aggregate classification (germline): Uncertain significance. Review status: criteria provided, multiple submitters, no conflicts (2 of 4 stars). 2 submissions from 2 submitters: Uncertain significance (2). Last evaluated 2024-02-24.

Allele frequency attached by ClinVar (database versions not stated): gnomAD exomes below 0.00001 and 0.00001; TOPMed below 0.00001.
gnomAD v4.1: 3 of 1,612,800 alleles (0.00019%); highest among the groups gnomAD compares: Non-Finnish European, 0.00025%; no homozygotes.

Submissions (2):

Labcorp Genetics (formerly Invitae), Labcorp
Classification: Uncertain significance. Last evaluated: 2024-02-24. Review status: criteria provided, single submitter. Criteria: Invitae Variant Classification Sherloc (09022015). Collection method: clinical testing. Allele origin: germline.
Comment: This sequence change replaces glutamic acid, which is acidic and polar, with aspartic acid, which is acidic and polar, at codon 1659 of the ADGRV1 protein (p.Glu1659Asp). This variant is present in population databases (no rsID available, gnomAD 0.0009%). This variant has not been reported in the literature in individuals affected with ADGRV1-related conditions. ClinVar contains an entry for this variant (Variation ID: 1485893). Advanced modeling of protein sequence and biophysical properties (such as structural, functional, and spatial information, amino acid conservation, physicochemical variation, residue mobility, and thermodynamic stability) performed at Invitae indicates that this missense variant is not expected to disrupt ADGRV1 protein function with a negative predictive value of 95%. In summary, the available evidence is currently insufficient to determine the role of this variant in disease. Therefore, it has been classified as a Variant of Uncertain Significance.

Blueprint Genetics
Classification: Uncertain significance. Last evaluated: 2021-10-15. Review status: criteria provided, single submitter. Criteria: ACMG Guidelines, 2015. Collection method: clinical testing. Allele origin: germline.

NM_032119.4(ADGRV1):c.4977G>T (p.Glu1659Asp)

Gene: ADGRV1 (adhesion G protein-coupled receptor V1; plus strand). Cytogenetic location: 5q14.3.
Variant type: single nucleotide variant.
Coding change: c.4977G>T on transcript NM_032119.4 (MANE Select); coding-DNA position 4977, G replaced by T.
Protein change: p.Glu1659Asp; replaces glutamic acid 1659 with aspartic acid.
Molecular consequence: missense variant. On other transcripts: non-coding transcript variant (1).
Genome position (GRCh38, 1-based): chr5:90,674,101, G>T. VCF-style: chr5-90674101-G-T. GRCh37 (hg19) VCF-style: chr5-89969918-G-T.
Other names: short protein forms E1659D.
Identifiers: ClinVar variation 1485893 (VCV001485893.7), dbSNP rs1332531282, ClinGen allele CA360407706.